The following is an entry in ClinVar:

NM_001267550.2(TTN):c.95645G>A (p.Arg31882Gln)

Genes: TTN (titin; minus strand), TTN-AS1 (TTN antisense RNA 1; plus strand). Cytogenetic location: 2q31.2.
Variant type: single nucleotide variant.
Coding change: c.95645G>A on transcript NM_001267550.2 (MANE Select); coding-DNA position 95645, G replaced by A.
Protein change: p.Arg31882Gln; replaces arginine 31882 with glutamine.
Molecular consequence: missense variant.
Genome position (GRCh38, 1-based): chr2:178,545,465, C>T on the plus strand (G>A on the coding strand, the complement: TTN is on the minus strand). VCF-style: chr2-178545465-C-T. GRCh37 (hg19) VCF-style: chr2-179410192-C-T.
Other names: c.90722G>A, p.Arg30241Gln (NM_001256850.1); c.68450G>A, p.Arg22817Gln (NM_003319.4); c.87941G>A, p.Arg29314Gln (NM_133378.4); c.68825G>A, p.Arg22942Gln (NM_133432.3); c.69026G>A, p.Arg23009Gln (NM_133437.4); short protein forms R31882Q, R22817Q, R23009Q, R22942Q, R29314Q, R30241Q.
Identifiers: ClinVar variation 467678 (VCV000467678.4), dbSNP rs767746607, ClinGen allele CA1986911.
Genomic context (GRCh38, chr2:178,545,465, plus strand): 5'-GAGATGAAGTTGGAAGCTTCGCTGGGCTCACTGTTACCAGCTGCATTCACTGCGGTCACC[C>T]GGAACTGGTAATCACAACCCTCCATCAGGCTGGTCACCTTCAGCCTGGTATCATACACCA-3'
Protein context (NP_001254479.2, residues 31872-31892): SLMEGCDYQF[Arg31882Gln]VTAVNAAGNS

ClinVar aggregate classification (germline): Uncertain significance. Review status: criteria provided, multiple submitters, no conflicts (2 of 4 stars). 2 submissions from 2 submitters: Uncertain significance (2). Last evaluated 2025-01-02.

Conditions:
Autosomal recessive limb-girdle muscular dystrophy type 2J (LGMDR10). Also called: Limb-girdle muscular dystrophy, type 2J; MUSCULAR DYSTROPHY, LIMB-GIRDLE, AUTOSOMAL RECESSIVE 10. Identifiers: Orphanet 140922, MedGen C1837342, MONDO:0012127, OMIM 608807.
Dilated cardiomyopathy 1G (CMD1G). Identifiers: Orphanet 154, MedGen C1858763, MONDO:0011400, OMIM 604145.
TTN-related disorder. Also called: TTN-related condition; TTN-related disease; TTN-related disorders.

Allele frequency attached by ClinVar (database versions not stated): ExAC 0.00001; gnomAD 0.00001; gnomAD exomes 0.00001; TOPMed 0.00002.
gnomAD v4.1: 12 of 1,612,786 alleles (0.00074%); highest among the groups gnomAD compares: East Asian, 0.013%; no homozygotes.

Submissions (2):

PreventionGenetics, part of Exact Sciences
Classification: Uncertain significance for TTN-related condition. Last evaluated: 2025-01-02. Review status: criteria provided, single submitter. Criteria: ACMG Guidelines, 2015. Collection method: clinical testing. Allele origin: germline.
Comment: The TTN c.95645G>A variant is predicted to result in the amino acid substitution p.Arg31882Gln. To our knowledge, this variant has not been reported in the literature. This variant is reported in 0.010% of alleles in individuals of East Asian descent in gnomAD. At this time, the clinical significance of this variant is uncertain due to the absence of conclusive functional and genetic evidence.

Labcorp Genetics (formerly Invitae), Labcorp
Classification: Uncertain significance for Dilated cardiomyopathy 1G; Autosomal recessive limb-girdle muscular dystrophy type 2J. Last evaluated: 2017-06-13. Review status: criteria provided, single submitter. Criteria: Invitae Variant Classification Sherloc (09022015). Collection method: clinical testing. Allele origin: germline.